The following is an entry in ClinVar:

ClinVar aggregate classification (germline): Conflicting classifications of pathogenicity. Review status: criteria provided, conflicting classifications (1 of 4 stars). 4 submissions from 4 submitters: Pathogenic (1); Likely pathogenic (1); Uncertain significance (1). 1 of the submissions does not count toward it. Last evaluated 2025-06-04.

Conditions:
Hereditary cancer-predisposing syndrome. Also called: Hereditary Cancer Syndrome; Hereditary neoplastic syndrome; Tumor predisposition; Neoplastic Syndromes, Hereditary. Identifiers: Orphanet 140162, MedGen C0027672, MeSH D009386, MONDO:0015356.
Colorectal cancer, susceptibility to, 12 (CRCS12). Also called: COLORECTAL CANCER, SUSCEPTIBILITY TO, ON CHROMOSOME 12q24. Identifiers: Orphanet 220460, MedGen C3554460, MONDO:0014038, OMIM 615083.

Submissions (4):

Labcorp Genetics (formerly Invitae), Labcorp
Classification: Pathogenic. Last evaluated: 2025-06-04. Review status: criteria provided, single submitter. Criteria: Invitae Variant Classification Sherloc (09022015). Collection method: clinical testing. Allele origin: germline.
Comment: This sequence change creates a premature translational stop signal (p.Glu978Glyfs*6) in the POLE gene. It is expected to result in an absent or disrupted protein product. Loss-of-function variants in POLE are known to be pathogenic (PMID: 23230001, 25948378, 30503519). This variant is present in population databases (no rsID available, gnomAD 0.007%). This variant has not been reported in the literature in individuals affected with POLE-related conditions. ClinVar contains an entry for this variant (Variation ID: 548839). For these reasons, this variant has been classified as Pathogenic.

Ambry Genetics
Classification: Uncertain significance for Hereditary cancer-predisposing syndrome. Last evaluated: 2025-01-07. Review status: criteria provided, single submitter. Criteria: Ambry Variant Classification Scheme 2023. Collection method: clinical testing. Allele origin: germline.
Comment: The c.2932dupG variant, located in coding exon 25 of the POLE gene, results from a duplication of G at nucleotide position 2932, causing a translational frameshift with a predicted alternate stop codon (p.E978Gfs*6). This alteration is expected to result in loss of function by premature protein truncation or nonsense-mediated mRNA decay. Loss-of-function variants subject to nonsense mediated decay (NMD) in POLE are known to cause POLE deficiency; however, such associations with POLE-related polymerase proofreading-associated polyposis (PPAP) have not been reported. Based on the supporting evidence, this alteration is pathogenic for POLE deficiency; however, the association of this alteration with POLE-related PPAP is unknown.

GeneDx
Classification: Likely pathogenic. Last evaluated: 2024-03-03. Review status: criteria provided, single submitter. Criteria: GeneDx Variant Classification Process June 2021. Collection method: clinical testing. Allele origin: germline. Affected: yes.
Comment: Frameshift variant predicted to result in protein truncation or nonsense mediated decay in a gene for which loss of function is a known mechanism of disease; Not observed at significant frequency in large population cohorts (gnomAD); Has not been previously published as pathogenic or benign to our knowledge

Counsyl
Classification: Uncertain significance for Colorectal cancer, susceptibility to, 12. Last evaluated: 2018-01-08. Review status: no assertion criteria provided. Collection method: clinical testing. Allele origin: unknown. Not counted in ClinVar's aggregate classification.

Literature cited by the submitters: PubMed 23230001 (cited by Labcorp Genetics (formerly Invitae), Labcorp); PubMed 25948378 (cited by Labcorp Genetics (formerly Invitae), Labcorp); PubMed 30503519 (cited by Labcorp Genetics (formerly Invitae), Labcorp).

NM_006231.4(POLE):c.2932dup (p.Glu978fs)

Gene: POLE (DNA polymerase epsilon, catalytic subunit; minus strand). Cytogenetic location: 12q24.33.
Variant type: Duplication.
Coding change: c.2932dup on transcript NM_006231.4 (MANE Select); coding-DNA position 2932, one base duplicated (G; older notation c.2932dupG).
Protein change: p.Glu978fs; shifts the reading frame from glutamic acid 978.
Molecular consequence: frameshift variant.
Genome position (GRCh38, 1-based): chr12:132,661,097, C duplicated on the plus strand (G on the coding strand, the reverse complement: POLE is on the minus strand); the first of 4 consecutive C bases (chr12:132,661,097-132,661,100); duplicating any one gives the same sequence. VCF-style (leftmost placement, unchanged base first): chr12-132661096-T-TC. GRCh37 (hg19) VCF-style: chr12-133237682-T-TC.
Other names: c.2932dupG (NM_006231.2); c.2932dup (NM_006231.2); short protein forms E978fs.
Identifiers: ClinVar variation 548839 (VCV000548839.16), dbSNP rs1032311596, ClinGen allele CA246317062.